The following is an entry in ClinVar:

NM_003482.4(KMT2D):c.13568A>C (p.Lys4523Thr)

Gene: KMT2D (lysine methyltransferase 2D; minus strand). Cytogenetic location: 12q13.12.
Variant type: single nucleotide variant.
Coding change: c.13568A>C on transcript NM_003482.4 (MANE Select); coding-DNA position 13568, A replaced by C.
Protein change: p.Lys4523Thr; replaces lysine 4523 with threonine.
Molecular consequence: missense variant.
Genome position (GRCh38, 1-based): chr12:49,030,996, T>G on the plus strand (A>C on the coding strand, the complement: KMT2D is on the minus strand). VCF-style: chr12-49030996-T-G. GRCh37 (hg19) VCF-style: chr12-49424779-T-G.
Other names: short protein forms K4523T.
Identifiers: ClinVar variation 5005114 (VCV005005114.2).

ClinVar aggregate classification (germline): Uncertain significance (1 of 4 stars; one submission).

Conditions:
Choanal atresia-athelia-hypothyroidism-delayed puberty-short stature syndrome (BCAHH). Also called: BRANCHIAL ARCH ABNORMALITIES, CHOANAL ATRESIA, ATHELIA, HEARING LOSS, AND HYPOTHYROIDISM SYNDROME. Identifiers: Orphanet 589856, MedGen C5680310, MONDO:0035651, OMIM 620186.
Kabuki syndrome 1 (KABUK1). Also called: KMT2D-Related Kabuki Syndrome. Identifiers: Orphanet 2322, MedGen CN030661, MONDO:0007843, OMIM 147920.

gnomAD v4.1: 2 of 1,613,958 alleles (0.00012%); highest among the groups gnomAD compares: East Asian, 0.0045%; no homozygotes.

Submission:

Juno Genomics, Hangzhou Juno Genomics, Inc
Classification: Uncertain significance for Choanal atresia-athelia-hypothyroidism-delayed puberty-short stature syndrome; Kabuki syndrome 1. Review status: criteria provided, single submitter. Criteria: ACMG Guidelines, 2015. Collection method: clinical testing. Allele origin: germline.
Comment: Absent from controls (or at extremely low frequency if recessive) in Genome Aggregation Database.;Missense variant in a gene that has a low rate of benign missense variation.